The following is an entry in ClinVar:

ClinVar aggregate classification (germline): Likely benign. Review status: criteria provided, multiple submitters, no conflicts (2 of 4 stars). 3 submissions from 3 submitters: Likely benign (2). 1 of the submissions does not count toward it. Last evaluated 2017-06-08.

Conditions:
REV3L-related disorder. Also called: REV3L-related condition.

Allele frequency attached by ClinVar (database versions not stated): ExAC 0.00007; gnomAD exomes 0.00009 and 0.00011; gnomAD 0.00024 and 0.00025; TOPMed 0.00042; 1000 Genomes Project 0.00060; 1000 Genomes Project 30x 0.00062.
gnomAD v4.1: 220 of 1,605,892 alleles (0.014%); highest among the groups gnomAD compares: Middle Eastern, 0.37%; 2 homozygotes.

Submissions (3):

Labcorp Genetics (formerly Invitae), Labcorp
Classification: Likely benign. Last evaluated: 2017-06-08. Review status: criteria provided, single submitter. Criteria: Invitae Variant Classification Sherloc (09022015). Collection method: clinical testing. Allele origin: germline.

Breakthrough Genomics
Classification: Likely benign. Review status: criteria provided, single submitter. Criteria: ACMG Guidelines, 2015. Collection method: not provided. Allele origin: germline. Inheritance: Unknown mechanism. Affected: yes.

PreventionGenetics, part of Exact Sciences
Classification: Likely benign for REV3L-related condition. Last evaluated: 2020-01-20. Review status: no assertion criteria provided. Collection method: clinical testing. Allele origin: germline. Not counted in ClinVar's aggregate classification.
Comment: This variant is classified as likely benign based on ACMG/AMP sequence variant interpretation guidelines (Richards et al. 2015 PMID: 25741868, with internal and published modifications).

NM_001372078.1(REV3L):c.6639T>C (p.Leu2213=)

Gene: REV3L (REV3 like, DNA directed polymerase zeta catalytic subunit; minus strand). Cytogenetic location: 6q21.
Variant type: single nucleotide variant.
Coding change: c.6639T>C on transcript NM_001372078.1 (MANE Select); coding-DNA position 6639, T replaced by C.
Protein change: p.Leu2213=; no amino-acid change (leucine 2213 retained).
Molecular consequence: synonymous variant.
Genome position (GRCh38, 1-based): chr6:111,367,149, A>G on the plus strand (T>C on the coding strand, the complement: REV3L is on the minus strand). VCF-style: chr6-111367149-A-G. GRCh37 (hg19) VCF-style: chr6-111688352-A-G.
Other names: c.6405T>C, p.Leu2135= (NM_001286431.2, NM_001286432.2); c.6639T>C, p.Leu2213= (NM_002912.5).
Identifiers: ClinVar variation 772883 (VCV000772883.6), dbSNP rs189062808, ClinGen allele CA3961670.